The following is an entry in ClinVar:

NM_001365480.1(CCDC88A):c.5006A>G (p.His1669Arg)

Gene: CCDC88A (coiled-coil and HOOK domain protein 88A; minus strand). Cytogenetic location: 2p16.1.
Variant type: single nucleotide variant.
Coding change: c.5006A>G on transcript NM_001365480.1 (MANE Select); coding-DNA position 5006, A replaced by G.
Protein change: p.His1669Arg; replaces histidine 1669 with arginine.
Molecular consequence: missense variant.
Genome position (GRCh38, 1-based): chr2:55,296,343, T>C on the plus strand (A>G on the coding strand, the complement: CCDC88A is on the minus strand). VCF-style: chr2-55296343-T-C. GRCh37 (hg19) VCF-style: chr2-55523479-T-C.
Other names: c.5003A>G, p.His1668Arg (NM_001135597.2, NM_001254943.2); c.4922A>G, p.His1641Arg (NM_018084.5); short protein forms H1669R, H1641R, H1668R.
Identifiers: ClinVar variation 1970453 (VCV001970453.5), dbSNP rs1680027323, ClinGen allele CA346912431.

ClinVar aggregate classification (germline): Uncertain significance (1 of 4 stars; one submission).

Submission:

Labcorp Genetics (formerly Invitae), Labcorp
Classification: Uncertain significance. Last evaluated: 2021-12-03. Review status: criteria provided, single submitter. Criteria: Invitae Variant Classification Sherloc (09022015). Collection method: clinical testing. Allele origin: germline.
Comment: In summary, the available evidence is currently insufficient to determine the role of this variant in disease. Therefore, it has been classified as a Variant of Uncertain Significance. Algorithms developed to predict the effect of missense changes on protein structure and function output the following: SIFT: "Tolerated"; PolyPhen-2: "Benign"; Align-GVGD: "Class C0". The arginine amino acid residue is found in multiple mammalian species, which suggests that this missense change does not adversely affect protein function. This variant has not been reported in the literature in individuals affected with CCDC88A-related conditions. This variant is not present in population databases (gnomAD no frequency). This sequence change replaces histidine, which is basic and polar, with arginine, which is basic and polar, at codon 1668 of the CCDC88A protein (p.His1668Arg).